The following is an entry in ClinVar:

ClinVar aggregate classification (germline): Uncertain significance (1 of 4 stars; one submission).

Submission:

Labcorp Genetics (formerly Invitae), Labcorp
Classification: Uncertain significance. Last evaluated: 2025-02-03. Review status: criteria provided, single submitter. Criteria: Invitae Variant Classification Sherloc (09022015). Collection method: clinical testing. Allele origin: germline.
Comment: This sequence change replaces phenylalanine, which is neutral and non-polar, with serine, which is neutral and polar, at codon 304 of the HMX1 protein (p.Phe304Ser). This variant is not present in population databases (gnomAD no frequency). This variant has not been reported in the literature in individuals affected with HMX1-related conditions. ClinVar contains an entry for this variant (Variation ID: 2135511). Invitae Evidence Modeling of protein sequence and biophysical properties (such as structural, functional, and spatial information, amino acid conservation, physicochemical variation, residue mobility, and thermodynamic stability) indicates that this missense variant is not expected to disrupt HMX1 protein function with a negative predictive value of 80%. In summary, the available evidence is currently insufficient to determine the role of this variant in disease. Therefore, it has been classified as a Variant of Uncertain Significance.

NM_018942.3(HMX1):c.911T>C (p.Phe304Ser)

Gene: HMX1 (H6 family homeobox 1; minus strand). Cytogenetic location: 4p16.1.
Variant type: single nucleotide variant.
Coding change: c.911T>C on transcript NM_018942.3 (MANE Select); coding-DNA position 911, T replaced by C.
Protein change: p.Phe304Ser; replaces phenylalanine 304 with serine.
Molecular consequence: missense variant. On other transcripts: intron variant (1).
Genome position (GRCh38, 1-based): chr4:8,867,829, A>G on the plus strand (T>C on the coding strand, the complement: HMX1 is on the minus strand). VCF-style: chr4-8867829-A-G. GRCh37 (hg19) VCF-style: chr4-8869555-A-G.
Other names: c.394+3392T>C (NM_001306142.2); short protein forms F304S.
Identifiers: ClinVar variation 2135511 (VCV002135511.4), dbSNP rs2474392307, ClinGen allele CA356277507.
Genomic context (GRCh38, chr4:8,867,829, plus strand): 5'-AGGGCCCCGGAGAAGCCGAGCAGCGGTGGGGGCGGCGCGGGCGCGGCGGGCGCCAGCGGG[A>G]AGGGCAGGGTGGCCGGGGGCCCAGCGGCGGCTGCGGCCGGGGGGCTTTCGTGGTAGAGCA-3'
Protein context (NP_061815.2, residues 294-314): AAAGPPATLP[Phe304Ser]PLAPAAPAPP